The following is an entry in ClinVar:

ClinVar aggregate classification (germline): Benign/Likely benign. Review status: criteria provided, multiple submitters, no conflicts (2 of 4 stars). 7 submissions from 7 submitters: Benign (2); Likely benign (5). Last evaluated 2025-12-13.

Conditions:
Developmental and epileptic encephalopathy, 42 (DEE42A). Also called: Epileptic encephalopathy, early infantile, 42; DEVELOPMENTAL AND EPILEPTIC ENCEPHALOPATHY 42A; EPILEPTIC ENCEPHALOPATHY, EARLY INFANTILE, 42A. Identifiers: MedGen C4310716, MONDO:0014917, OMIM 617106.
Episodic ataxia type 2 (EA2). Also called: ACETAZOLAMIDE-RESPONSIVE HEREDITARY PAROXYSMAL CEREBELLAR ATAXIA; ATAXIA, EPISODIC, WITH NYSTAGMUS; ATAXIA, FAMILIAL PAROXYSMAL; CEREBELLAR ATAXIA, PAROXYSMAL, ACETAZOLAMIDE-RESPONSIVE; CEREBELLOPATHY, HEREDITARY PAROXYSMAL; EPISODIC ATAXIA, NYSTAGMUS-ASSOCIATED. Identifiers: Orphanet 97, MedGen C1720416, MONDO:0007163, OMIM 108500.
CACNA1A-related disorder. Also called: CACNA1A-related condition.
Inborn genetic diseases. Identifiers: MedGen C0950123, MeSH D030342.

Allele frequency attached by ClinVar (database versions not stated): gnomAD exomes 0.00013; ExAC 0.00020; gnomAD 0.00021 and 0.00026; TOPMed 0.00024; ESP Exome Variant Server 0.00056.
gnomAD v4.1: 179 of 1,600,884 alleles (0.011%); highest among the groups gnomAD compares: African/African-American, 0.062%; no homozygotes.

Submissions (7):

Labcorp Genetics (formerly Invitae), Labcorp
Classification: Benign for Developmental and epileptic encephalopathy, 42; Episodic ataxia type 2. Last evaluated: 2025-12-13. Review status: criteria provided, single submitter. Criteria: Invitae Variant Classification Sherloc (09022015). Collection method: clinical testing. Allele origin: germline.

PreventionGenetics, part of Exact Sciences
Classification: Likely benign for CACNA1A-related condition. Last evaluated: 2025-10-29. Review status: criteria provided, single submitter. Criteria: ACMG Guidelines, 2015. Collection method: clinical testing. Allele origin: germline.
Comment: This variant is classified as likely benign based on ACMG/AMP sequence variant interpretation guidelines (Richards et al. 2015 PMID: 25741868, with internal and published modifications).

Women's Health and Genetics/Laboratory Corporation of America, LabCorp
Classification: Likely benign. Last evaluated: 2024-06-14. Review status: criteria provided, single submitter. Criteria: LabCorp Variant Classification Summary - May 2015. Collection method: clinical testing. Allele origin: germline.

CeGaT Center for Human Genetics Tuebingen
Classification: Likely benign. Last evaluated: 2022-07-01. Review status: criteria provided, single submitter. Criteria: CeGaT Center For Human Genetics Tuebingen Variant Classification Criteria Version 2. Collection method: clinical testing. Allele origin: germline. Affected: yes. Observed: 2 variant alleles.
Comment: CACNA1A: BP4, BP7

GeneDx
Classification: Likely benign. Last evaluated: 2021-04-27. Review status: criteria provided, single submitter. Criteria: GeneDx Variant Classification Process June 2021. Collection method: clinical testing. Allele origin: germline. Affected: yes.

Ambry Genetics
Classification: Likely benign for Inborn genetic diseases. Last evaluated: 2018-02-15. Review status: criteria provided, single submitter. Criteria: Ambry Variant Classification Scheme 2023. Collection method: clinical testing. Allele origin: germline.

Athena Diagnostics
Classification: Benign. Last evaluated: 2016-12-20. Review status: criteria provided, single submitter. Criteria: Athena Diagnostics Criteria. Collection method: clinical testing. Allele origin: germline.

NM_001127222.2(CACNA1A):c.888C>T (p.Asn296=)

Gene: CACNA1A (calcium voltage-gated channel subunit alpha1 A; minus strand). Cytogenetic location: 19p13.13.
Variant type: single nucleotide variant.
Coding change: c.888C>T on transcript NM_001127222.2 (MANE Select); coding-DNA position 888, C replaced by T.
Protein change: p.Asn296=; no amino-acid change (asparagine 296 retained).
Molecular consequence: synonymous variant.
Genome position (GRCh38, 1-based): chr19:13,359,696, G>A on the plus strand (C>T on the coding strand, the complement: CACNA1A is on the minus strand). VCF-style: chr19-13359696-G-A. GRCh37 (hg19) VCF-style: chr19-13470510-G-A.
Other names: c.888C>T, p.Asn296= (NM_000068.4, NM_001127221.2, NM_001174080.2 and 1 more transcripts); c.888C>T (NM_001127222.1).
Identifiers: ClinVar variation 446947 (VCV000446947.54), dbSNP rs372812865, ClinGen allele CA9240947.